The following is an entry in ClinVar:

NM_001111067.4(ACVR1):c.1385T>C (p.Phe462Ser)

Gene: ACVR1 (activin A receptor type 1; minus strand). Cytogenetic location: 2q24.1.
Variant type: single nucleotide variant.
Coding change: c.1385T>C on transcript NM_001111067.4 (MANE Select); coding-DNA position 1385, T replaced by C.
Protein change: p.Phe462Ser; replaces phenylalanine 462 with serine.
Molecular consequence: missense variant.
Genome position (GRCh38, 1-based): chr2:157,738,450, A>G on the plus strand (T>C on the coding strand, the complement: ACVR1 is on the minus strand). VCF-style: chr2-157738450-A-G. GRCh37 (hg19) VCF-style: chr2-158594962-A-G.
Other names: c.1385T>C, p.Phe462Ser (NM_001105.5, NM_001347663.1, NM_001347664.1 and 3 more transcripts); short protein forms F462S.
Identifiers: ClinVar variation 2900795 (VCV002900795.3), dbSNP rs2467866596, ClinGen allele CA349187790.

ClinVar aggregate classification (germline): Uncertain significance (1 of 4 stars; one submission).

Submission:

Labcorp Genetics (formerly Invitae), Labcorp
Classification: Uncertain significance. Last evaluated: 2024-09-29. Review status: criteria provided, single submitter. Criteria: Invitae Variant Classification Sherloc (09022015). Collection method: clinical testing. Allele origin: germline.
Comment: This sequence change replaces phenylalanine, which is neutral and non-polar, with serine, which is neutral and polar, at codon 462 of the ACVR1 protein (p.Phe462Ser). This variant is not present in population databases (gnomAD no frequency). This variant has not been reported in the literature in individuals affected with ACVR1-related conditions. An algorithm developed to predict the effect of missense changes on protein structure and function (PolyPhen-2) suggests that this variant is likely to be disruptive. In summary, the available evidence is currently insufficient to determine the role of this variant in disease. Therefore, it has been classified as a Variant of Uncertain Significance.